The following is an entry in ClinVar:

ClinVar aggregate classification (germline): Conflicting classifications of pathogenicity. Review status: criteria provided, conflicting classifications (1 of 4 stars). 5 submissions from 5 submitters: Uncertain significance (1); Likely benign (4). Last evaluated 2026-01-16.

Conditions:
Cardiovascular phenotype. Identifiers: MedGen CN230736.
Familial hypobetalipoproteinemia 1. Also called: APOB-Related Familial Hypobetalipoproteinemia; Hypobetalipoproteinemia, normotriglyceridemic; Acanthocytosis with hypobetalipoproteinemia. Identifiers: MedGen C4551990, MONDO:0014252, OMIM 615558.
Hypercholesterolemia, autosomal dominant, type B (FHCL2). Also called: Familial Hypercholesterolemia Type B; APOLIPOPROTEIN B-100, FAMILIAL DEFECTIVE; APOLIPOPROTEIN B-100, FAMILIAL LIGAND-DEFECTIVE; HYPERCHOLESTEROLEMIA, FAMILIAL, DUE TO LIGAND-DEFECTIVE APOLIPOPROTEIN B; Hyperlipoproteinemia Type IIb; APOB-Related Familial Hypercholesterolemia, Autosomal Dominant. Identifiers: MedGen C1704417, MONDO:0007751, OMIM 144010.

Allele frequency attached by ClinVar (database versions not stated): gnomAD 0.00004 and 0.00006; TOPMed 0.00013; gnomAD exomes 0.00014; ExAC 0.00016; 1000 Genomes Project 30x 0.00031; 1000 Genomes Project 0.00040.
gnomAD v4.1: 56 of 1,613,526 alleles (0.0035%); highest among the groups gnomAD compares: East Asian, 0.11%; 1 homozygote.

Submissions (5):

Labcorp Genetics (formerly Invitae), Labcorp
Classification: Likely benign for Familial hypobetalipoproteinemia 1; Hypercholesterolemia, autosomal dominant, type B. Last evaluated: 2026-01-16. Review status: criteria provided, single submitter. Criteria: Invitae Variant Classification Sherloc (09022015). Collection method: clinical testing. Allele origin: germline.

GeneDx
Classification: Uncertain significance. Last evaluated: 2025-12-30. Review status: criteria provided, single submitter. Criteria: GeneDx Variant Classification Process June 2021. Collection method: clinical testing. Allele origin: germline.
Comment: In silico analysis supports that this missense variant has a deleterious effect on protein structure/function; Also known as p.(S2381F); This variant is associated with the following publications: (PMID: 27932355, 30526649, 30420299)

Ambry Genetics
Classification: Likely benign for Cardiovascular phenotype. Last evaluated: 2023-01-03. Review status: criteria provided, single submitter. Criteria: Ambry Variant Classification Scheme 2023. Collection method: clinical testing. Allele origin: germline.

Blueprint Genetics
Classification: Likely benign. Last evaluated: 2022-03-24. Review status: criteria provided, single submitter. Criteria: ACMG Guidelines, 2015. Collection method: clinical testing. Allele origin: germline.

Fulgent Genetics
Classification: Likely benign for Hypercholesterolemia, autosomal dominant, type B; Familial hypobetalipoproteinemia 1. Last evaluated: 2021-07-30. Review status: criteria provided, single submitter. Criteria: ACMG Guidelines, 2015. Collection method: clinical testing. Allele origin: unknown.

Literature cited by the submitters: PubMed 27932355 (cited by Ambry Genetics); PubMed 30420299 (cited by Ambry Genetics); PubMed 30526649 (cited by Ambry Genetics).

NM_000384.3(APOB):c.7223C>T (p.Ser2408Phe)

Gene: APOB (apolipoprotein B; minus strand). Cytogenetic location: 2p24.1.
Variant type: single nucleotide variant.
Coding change: c.7223C>T on transcript NM_000384.3 (MANE Select); coding-DNA position 7223, C replaced by T.
Protein change: p.Ser2408Phe; replaces serine 2408 with phenylalanine.
Molecular consequence: missense variant.
Genome position (GRCh38, 1-based): chr2:21,009,645, G>A on the plus strand (C>T on the coding strand, the complement: APOB is on the minus strand). VCF-style: chr2-21009645-G-A. GRCh37 (hg19) VCF-style: chr2-21232517-G-A.
Other names: short protein forms S2408F.
Identifiers: ClinVar variation 412949 (VCV000412949.29), dbSNP rs140027955, ClinGen allele CA064202.